The following is an entry in ClinVar:

NM_018297.4(NGLY1):c.455G>A (p.Arg152His)

Gene: NGLY1 (N-glycanase 1; minus strand). Cytogenetic location: 3p24.2.
Variant type: single nucleotide variant.
Coding change: c.455G>A on transcript NM_018297.4 (MANE Select); coding-DNA position 455, G replaced by A.
Protein change: p.Arg152His; replaces arginine 152 with histidine.
Molecular consequence: missense variant.
Genome position (GRCh38, 1-based): chr3:25,764,103, C>T on the plus strand (G>A on the coding strand, the complement: NGLY1 is on the minus strand). VCF-style: chr3-25764103-C-T. GRCh37 (hg19) VCF-style: chr3-25805594-C-T.
Other names: c.455G>A, p.Arg152His (NM_001145293.2, NM_001145295.2); c.329G>A, p.Arg110His (NM_001145294.2); short protein forms R152H, R110H.
Identifiers: ClinVar variation 640667 (VCV000640667.6), dbSNP rs762498007, ClinGen allele CA2289485.

ClinVar aggregate classification (germline): Uncertain significance (1 of 4 stars; one submission).

Conditions:
Congenital disorder of deglycosylation (CDDG). Identifiers: MedGen C3808991, MONDO:0031376.

Allele frequency attached by ClinVar (database versions not stated): gnomAD exomes 0.00001 and 0.00002; ExAC 0.00002; gnomAD 0.00003; TOPMed 0.00003.
gnomAD v4.1: 24 of 1,614,176 alleles (0.0015%); highest among the groups gnomAD compares: South Asian, 0.0077%; no homozygotes.

Submission:

Labcorp Genetics (formerly Invitae), Labcorp
Classification: Uncertain significance for Congenital disorder of deglycosylation. Last evaluated: 2024-11-18. Review status: criteria provided, single submitter. Criteria: Invitae Variant Classification Sherloc (09022015). Collection method: clinical testing. Allele origin: germline.
Comment: This sequence change replaces arginine, which is basic and polar, with histidine, which is basic and polar, at codon 152 of the NGLY1 protein (p.Arg152His). This variant is present in population databases (rs762498007, gnomAD 0.01%). This variant has not been reported in the literature in individuals affected with NGLY1-related conditions. ClinVar contains an entry for this variant (Variation ID: 640667). Invitae Evidence Modeling of protein sequence and biophysical properties (such as structural, functional, and spatial information, amino acid conservation, physicochemical variation, residue mobility, and thermodynamic stability) indicates that this missense variant is not expected to disrupt NGLY1 protein function with a negative predictive value of 80%. In summary, the available evidence is currently insufficient to determine the role of this variant in disease. Therefore, it has been classified as a Variant of Uncertain Significance.